The following is an entry in ClinVar:

ClinVar aggregate classification (germline): Likely benign. Review status: criteria provided, multiple submitters, no conflicts (2 of 4 stars). 2 submissions from 2 submitters: Likely benign (2). Last evaluated 2026-01-28.

Conditions:
Autosomal recessive congenital ichthyosis 5 (ARCI5). Also called: ICHTHYOSIS CONGENITA III; Ichthyosis, nonlamellar and nonerythrodermic, congenital, autosomal recessive. Identifiers: Orphanet 313, MedGen C1858133, MONDO:0011485, OMIM 604777.

Allele frequency attached by ClinVar (database versions not stated): gnomAD exomes 0.00040 and 0.00018; 1000 Genomes Project 0.00200; gnomAD 0.00129 and 0.00133; ESP Exome Variant Server 0.00177; 1000 Genomes Project 30x 0.00203; ExAC 0.00050; TOPMed 0.00144.
gnomAD v4.1: 472 of 1,614,238 alleles (0.029%); highest among the groups gnomAD compares: African/African-American, 0.47%; 1 homozygote.

Submissions (2):

Labcorp Genetics (formerly Invitae), Labcorp
Classification: Likely benign. Last evaluated: 2026-01-28. Review status: criteria provided, single submitter. Criteria: Invitae Variant Classification Sherloc (09022015). Collection method: clinical testing. Allele origin: germline.

Illumina Laboratory Services, Illumina
Classification: Likely benign for Autosomal recessive congenital ichthyosis 5. Last evaluated: 2018-01-13. Review status: criteria provided, single submitter. Criteria: ICSL Variant Classification Criteria 13 December 2019. Collection method: clinical testing. Allele origin: germline.
Comment: This variant was observed in the ICSL laboratory as part of a predisposition screen in an ostensibly healthy population. It had not been previously curated by ICSL or reported in the Human Gene Mutation Database (HGMD: prior to June 1st, 2018), and was therefore a candidate for classification through an automated scoring system. Utilizing variant allele frequency, disease prevalence and penetrance estimates, and inheritance mode, an automated score was calculated to assess if this variant is too frequent to cause the disease. Based on the score and internal cut-off values, a variant classified as likely benign is not then subjected to further curation. The score for this variant resulted in a classification of likely benign for this disease.

NM_173483.4(CYP4F22):c.785G>A (p.Arg262Gln)

Gene: CYP4F22 (cytochrome P450 family 4 subfamily F member 22; plus strand). Cytogenetic location: 19p13.12.
Variant type: single nucleotide variant.
Coding change: c.785G>A on transcript NM_173483.4 (MANE Select); coding-DNA position 785, G replaced by A.
Protein change: p.Arg262Gln; replaces arginine 262 with glutamine.
Molecular consequence: missense variant.
Genome position (GRCh38, 1-based): chr19:15,540,563, G>A. VCF-style: chr19-15540563-G-A. GRCh37 (hg19) VCF-style: chr19-15651374-G-A.
Other names: short protein forms R262Q.
Identifiers: ClinVar variation 888789 (VCV000888789.7), dbSNP rs141631745, ClinGen allele CA9269704.